The following is an entry in ClinVar:

NM_001366244.2(GOLGA2):c.1728G>A (p.Leu576=)

Gene: GOLGA2 (golgin A2; minus strand). Cytogenetic location: 9q34.11.
Variant type: single nucleotide variant.
Coding change: c.1728G>A on transcript NM_001366244.2 (MANE Select); coding-DNA position 1728, G replaced by A.
Protein change: p.Leu576=; no amino-acid change (leucine 576 retained).
Molecular consequence: synonymous variant.
Genome position (GRCh38, 1-based): chr9:128,260,495, C>T on the plus strand (G>A on the coding strand, the complement: GOLGA2 is on the minus strand). VCF-style: chr9-128260495-C-T. GRCh37 (hg19) VCF-style: chr9-131022774-C-T.
Other names: c.1647G>A, p.Leu549= (NM_001366246.2, NM_004486.6); c.1713G>A, p.Leu571= (NM_001389695.2); c.1710G>A, p.Leu570= (NM_001389696.2); c.1635G>A, p.Leu545= (NM_001389697.2); c.1629G>A, p.Leu543= (NM_001389698.2); c.1608G>A, p.Leu536= (NM_001389699.2, NM_001389700.2); c.1566G>A, p.Leu522= (NM_001389701.2); c.1542G>A, p.Leu514= (NM_001389702.2); and 3 more.
Identifiers: ClinVar variation 4281095 (VCV004281095.7).
Genomic context (GRCh38, chr9:128,260,495, plus strand): 5'-AGGGCGGGCTCTCCAGGTGGGGCAGCGCACCAGCTTTACAAATCCGCTCTGCAGCTCAGC[C>T]AGCTGCTCCTTGAGCTCCCGGTTCTGGGAGAGTGCGCGGCTGATGGTAGTGCGGTCGTTC-3'
Protein context (NP_001353173.2, residues 566-586): LSQNRELKEQ[Leu576=]AELQSGFVKL

ClinVar aggregate classification (germline): Likely benign (1 of 4 stars; one submission).

gnomAD v4.1: 6 of 1,612,306 alleles (0.00037%); highest among the groups gnomAD compares: Non-Finnish European, 0.00042%; no homozygotes.

Submission:

CeGaT Center for Human Genetics Tuebingen
Classification: Likely benign. Last evaluated: 2025-09-01. Review status: criteria provided, single submitter. Criteria: CeGaT Center For Human Genetics Tuebingen Variant Classification Criteria Version 2. Collection method: clinical testing. Allele origin: germline. Affected: yes. Observed: 1 variant allele.
Comment: GOLGA2: BP4, BP7